The following is an entry in ClinVar:

NM_000548.5(TSC2):c.3337G>A (p.Glu1113Lys)

Gene: TSC2 (TSC complex subunit 2; plus strand). Cytogenetic location: 16p13.3.
Variant type: single nucleotide variant.
Coding change: c.3337G>A on transcript NM_000548.5 (MANE Select); coding-DNA position 3337, G replaced by A.
Protein change: p.Glu1113Lys; replaces glutamic acid 1113 with lysine.
Molecular consequence: missense variant.
Genome position (GRCh38, 1-based): chr16:2,079,609, G>A. VCF-style: chr16-2079609-G-A. GRCh37 (hg19) VCF-style: chr16-2129610-G-A.
Other names: c.3205G>A, p.Glu1069Lys (NM_001077183.3, NM_001370404.1); c.3337G>A, p.Glu1113Lys (NM_001114382.3); c.3097G>A, p.Glu1033Lys (NM_001318827.2); c.3061G>A, p.Glu1021Lys (NM_001318829.2); c.2605G>A, p.Glu869Lys (NM_001318831.2); c.3238G>A, p.Glu1080Lys (NM_001318832.2); c.3208G>A, p.Glu1070Lys (NM_001363528.2, NM_001370405.1, NM_021055.3); short protein forms E1113K, E1069K, E1070K, E869K, E1021K, E1033K, E1080K.
Identifiers: ClinVar variation 569792 (VCV000569792.8), dbSNP rs1567500491, ClinGen allele CA394286617.

ClinVar aggregate classification (germline): Uncertain significance (1 of 4 stars; one submission).

Conditions:
Tuberous sclerosis 2 (TSC2). Identifiers: Orphanet 805, MedGen C1860707, MONDO:0013199, OMIM 613254.

Submission:

Labcorp Genetics (formerly Invitae), Labcorp
Classification: Uncertain significance for Tuberous sclerosis 2. Last evaluated: 2018-02-20. Review status: criteria provided, single submitter. Criteria: Invitae Variant Classification Sherloc (09022015). Collection method: clinical testing. Allele origin: germline.
Comment: This sequence change replaces glutamic acid with lysine at codon 1113 of the TSC2 protein (p.Glu1113Lys). The glutamic acid residue is moderately conserved and there is a small physicochemical difference between glutamic acid and lysine. In summary, the available evidence is currently insufficient to determine the role of this variant in disease. Therefore, it has been classified as a Variant of Uncertain Significance. Algorithms developed to predict the effect of missense changes on protein structure and function do not agree on the potential impact of this missense change (SIFT: "Deleterious"; PolyPhen-2: "Possibly Damaging"; Align-GVGD: "Class C0"). This variant has not been reported in the literature in individuals with TSC2-related disease. This variant is not present in population databases (ExAC no frequency).